The following is an entry in ClinVar:

NM_004415.4(DSP):c.6919A>G (p.Asn2307Asp)

Gene: DSP (desmoplakin; plus strand). Cytogenetic location: 6p24.3.
Variant type: single nucleotide variant.
Coding change: c.6919A>G on transcript NM_004415.4 (MANE Select); coding-DNA position 6919, A replaced by G.
Protein change: p.Asn2307Asp; replaces asparagine 2307 with aspartic acid.
Molecular consequence: missense variant.
Genome position (GRCh38, 1-based): chr6:7,584,181, A>G. VCF-style: chr6-7584181-A-G. GRCh37 (hg19) VCF-style: chr6-7584414-A-G.
Other names: c.5122A>G, p.Asn1708Asp (NM_001008844.3); c.5590A>G, p.Asn1864Asp (NM_001319034.2); short protein forms N1708D, N1864D, N2307D.
Identifiers: ClinVar variation 1171655 (VCV001171655.5), dbSNP rs1055504283, ClinGen allele CA133975354.

ClinVar aggregate classification (germline): Uncertain significance. Review status: criteria provided, multiple submitters, no conflicts (2 of 4 stars). 2 submissions from 2 submitters: Uncertain significance (2). Last evaluated 2024-09-27.

Conditions:
Arrhythmogenic cardiomyopathy with wooly hair and keratoderma. Also called: Dilated cardiomyopathy with woolly hair and keratoderma; PALMOPLANTAR KERATODERMA WITH LEFT VENTRICULAR CARDIOMYOPATHY AND WOOLLY HAIR; Carvajal syndrome; Arrhythmogenic cardiomyopathy with woolly hair and keratoderma. Identifiers: Orphanet 65282, MedGen C1854063, MONDO:0011581, OMIM 605676.
Arrhythmogenic right ventricular dysplasia 8 (ARVD8). Also called: Arrhythmogenic Right Ventricular Dysplasia/Cardiomyopathy 8; ARRHYTHMOGENIC RIGHT VENTRICULAR DYSPLASIA, FAMILIAL, 8; ARRHYTHMOGENIC RIGHT VENTRICULAR CARDIOMYOPATHY 8. Identifiers: MedGen C1843896, MONDO:0011831, OMIM 607450.
Cardiomyopathy (CMYO). Also called: Cardiomyopathies. Identifiers: Orphanet 167848, MedGen C0878544, MONDO:0004994, HP:0001638. Inheritance: Various modes of inheritance.

Allele frequency attached by ClinVar (database versions not stated): gnomAD exomes below 0.00001; gnomAD 0.00001; TOPMed 0.00002.
gnomAD v4.1: 5 of 1,614,058 alleles (0.00031%); highest among the groups gnomAD compares: Non-Finnish European, 0.00042%; no homozygotes.

Submissions (2):

Labcorp Genetics (formerly Invitae), Labcorp
Classification: Uncertain significance for Arrhythmogenic cardiomyopathy with wooly hair and keratoderma; Arrhythmogenic right ventricular dysplasia 8. Last evaluated: 2024-09-27. Review status: criteria provided, single submitter. Criteria: Invitae Variant Classification Sherloc (09022015). Collection method: clinical testing. Allele origin: germline.
Comment: This sequence change replaces asparagine, which is neutral and polar, with aspartic acid, which is acidic and polar, at codon 2307 of the DSP protein (p.Asn2307Asp). This variant is present in population databases (no rsID available, gnomAD 0.007%). This variant has not been reported in the literature in individuals affected with DSP-related conditions. ClinVar contains an entry for this variant (Variation ID: 1171655). An algorithm developed to predict the effect of missense changes on protein structure and function (PolyPhen-2) suggests that this variant is likely to be disruptive. In summary, the available evidence is currently insufficient to determine the role of this variant in disease. Therefore, it has been classified as a Variant of Uncertain Significance.

Color Diagnostics, LLC DBA Color Health
Classification: Uncertain significance for Cardiomyopathy. Last evaluated: 2024-03-06. Review status: criteria provided, single submitter. Criteria: ACMG Guidelines, 2015. Collection method: clinical testing. Allele origin: germline.
Comment: This missense variant replaces asparagine with aspartic acid at codon 2307 of the DSP protein. Computational prediction is inconclusive regarding the impact of this variant on protein structure and function (internally defined REVEL score threshold 0.5 < inconclusive < 0.7, PMID: 27666373). To our knowledge, functional studies have not been reported for this variant. This variant has not been reported in individuals affected with cardiovascular disorders in the literature. This variant has been identified in 1/31402 chromosomes in the general population by the Genome Aggregation Database (gnomAD). The available evidence is insufficient to determine the role of this variant in disease conclusively. Therefore, this variant is classified as a Variant of Uncertain Significance.